The following is an entry in ClinVar:

NM_004646.4(NPHS1):c.2071+2del

Gene: NPHS1 (NPHS1 adhesion molecule, nephrin; minus strand). Cytogenetic location: 19q13.12.
Variant type: Deletion.
Coding change: c.2071+2del on transcript NM_004646.4 (MANE Select); the canonical splice donor site of the intron after coding-DNA position 2071, one base deleted (T; older notation c.2071+2delT).
Molecular consequence: splice donor variant.
Genome position (GRCh38, 1-based): chr19:35,844,317, A deleted on the plus strand (T on the coding strand, the reverse complement: NPHS1 is on the minus strand). VCF-style (leftmost placement, unchanged base first): chr19-35844316-CA-C. GRCh37 (hg19) VCF-style: chr19-36335218-CA-C.
Identifiers: ClinVar variation 1067756 (VCV001067756.9), dbSNP rs2146822162, ClinGen allele CA2499225451.

ClinVar aggregate classification (germline): Likely pathogenic (1 of 4 stars; one submission).

Submission:

Labcorp Genetics (formerly Invitae), Labcorp
Classification: Likely pathogenic. Last evaluated: 2020-10-20. Review status: criteria provided, single submitter. Criteria: Invitae Variant Classification Sherloc (09022015). Collection method: clinical testing. Allele origin: germline.
Comment: This variant has not been reported in the literature in individuals with NPHS1-related conditions. This variant is not present in population databases (ExAC no frequency). This sequence change affects a donor splice site in intron 15 of the NPHS1 gene. It is expected to disrupt RNA splicing. Variants that disrupt the donor or acceptor splice site typically lead to a loss of protein function (PMID: 16199547), and loss-of-function variants in NPHS1 are known to be pathogenic (PMID: 11317351, 11854170, 12039988). In summary, the currently available evidence indicates that the variant is pathogenic, but additional data are needed to prove that conclusively. Therefore, this variant has been classified as Likely Pathogenic. Algorithms developed to predict the effect of sequence changes on RNA splicing suggest that this variant may disrupt the consensus splice site, but this prediction has not been confirmed by published transcriptional studies.

Literature cited by the submitters: PubMed 16199547; PubMed 11317351; PubMed 11854170; PubMed 12039988.